The following is an entry in ClinVar:

ClinVar aggregate classification (germline): Uncertain significance (1 of 4 stars; one submission).

Conditions:
Multiple endocrine neoplasia, type 1 (MEN1). Also called: Endocrine adenomatosis multiple; MEN 1; MEA I; MEN I; WERMER SYNDROME. Identifiers: Orphanet 652, MedGen C0025267, MeSH D018761, MONDO:0007540, OMIM 131100.

Submission:

Color Diagnostics, LLC DBA Color Health
Classification: Uncertain significance for Multiple endocrine neoplasia, type 1. Last evaluated: 2025-06-09. Review status: criteria provided, single submitter. Criteria: ACMG Guidelines, 2015. Collection method: clinical testing. Allele origin: germline.
Comment: This missense variant replaces phenylalanine with isoleucine at codon 364 of the MEN1 protein. Computational prediction suggests that this variant may have deleterious impact on protein structure and function. To our knowledge, functional studies have not been reported for this variant. This variant has not been reported in individuals affected with MEN1-related disorders in the literature. This variant has not been identified in the general population by the Genome Aggregation Database (gnomAD). The available evidence is insufficient to determine the role of this variant in disease conclusively. Therefore, this variant is classified as a Variant of Uncertain Significance.

NM_001370259.2(MEN1):c.1090T>A (p.Phe364Ile)

Gene: MEN1 (menin 1; minus strand). Cytogenetic location: 11q13.1.
Variant type: single nucleotide variant.
Coding change: c.1090T>A on transcript NM_001370259.2 (MANE Select); coding-DNA position 1090, T replaced by A.
Protein change: p.Phe364Ile; replaces phenylalanine 364 with isoleucine.
Molecular consequence: missense variant. On other transcripts: non-coding transcript variant (4).
Genome position (GRCh38, 1-based): chr11:64,805,730, A>T on the plus strand (T>A on the coding strand, the complement: MEN1 is on the minus strand). VCF-style: chr11-64805730-A-T. GRCh37 (hg19) VCF-style: chr11-64573202-A-T.
Other names: c.1105T>A, p.Phe369Ile (NM_130802.3, NM_130803.3, NM_130804.3 and 4 more transcripts); c.1090T>A, p.Phe364Ile (NM_130799.3, NM_001407152.1, NM_001370260.2 and 3 more transcripts); c.1216T>A, p.Phe406Ile (NM_001370251.2, NM_001407142.1, NM_001407143.1 and 1 more transcripts); c.985T>A, p.Phe329Ile (NM_001407148.1, NM_001407149.1, NM_001370262.2 and 1 more transcripts); c.1231T>A, p.Phe411Ile (NM_001407150.1); c.1111T>A, p.Phe371Ile (NM_001407151.1); short protein forms F329I, F364I, F369I, F371I, F406I, F411I.
Identifiers: ClinVar variation 4756907 (VCV004756907.1).